The following is an entry in ClinVar:

NM_033343.4(LHX4):c.90C>T (p.Cys30=)

Gene: LHX4 (LIM homeobox 4; plus strand). Cytogenetic location: 1q25.2.
Variant type: single nucleotide variant.
Coding change: c.90C>T on transcript NM_033343.4 (MANE Select); coding-DNA position 90, C replaced by T.
Protein change: p.Cys30=; no amino-acid change (cysteine 30 retained).
Molecular consequence: synonymous variant.
Genome position (GRCh38, 1-based): chr1:180,248,298, C>T. VCF-style: chr1-180248298-C-T. GRCh37 (hg19) VCF-style: chr1-180217433-C-T.
Identifiers: ClinVar variation 875703 (VCV000875703.14), dbSNP rs147491286, ClinGen allele CA1271803.
Genomic context (GRCh38, chr1:180,248,298, plus strand): 5'-GGGCTGTGTGGAAGGCTCACAGTGCCTCTCTCTCCTCTTCCTCACAGAGATTCCCCAGTG[C>T]GCTGGCTGCAACCAGCACATCCTGGACAAGTTCATCCTGAAGGTCCTGGACAGACACTGG-3'
Protein context (NP_203129.1, residues 20-40): LGVPMQQIPQ[Cys30=]AGCNQHILDK

ClinVar aggregate classification (germline): Benign/Likely benign. Review status: criteria provided, multiple submitters, no conflicts (2 of 4 stars). 4 submissions from 4 submitters: Benign (1); Likely benign (2). 1 of the submissions does not count toward it. Last evaluated 2023-09-22.

Conditions:
Short stature-pituitary and cerebellar defects-small sella turcica syndrome (CPHD4). Also called: Pituitary hormone deficiency, combined with or without cerebellar defects; Short stature, pituitary and cerebellar defects and small sella turcica. Identifiers: Orphanet 85442, MedGen C2678408, MONDO:0009880, OMIM 262700.
LHX4-related disorder. Also called: LHX4-related condition.

Allele frequency attached by ClinVar (database versions not stated): gnomAD exomes 0.00006 and 0.00011; ExAC 0.00011; 1000 Genomes Project 30x 0.00016; 1000 Genomes Project 0.00020; gnomAD 0.00029 and 0.00030; TOPMed 0.00029; ESP Exome Variant Server 0.00031.
gnomAD v4.1: 126 of 1,614,098 alleles (0.0078%); highest among the groups gnomAD compares: African/African-American, 0.08%; no homozygotes.

Submissions (4):

Blueprint Genetics
Classification: Likely benign. Last evaluated: 2023-09-22. Review status: criteria provided, single submitter. Criteria: ACMG Guidelines, 2015. Collection method: clinical testing. Allele origin: germline.

Labcorp Genetics (formerly Invitae), Labcorp
Classification: Benign. Last evaluated: 2021-06-16. Review status: criteria provided, single submitter. Criteria: Invitae Variant Classification Sherloc (09022015). Collection method: clinical testing. Allele origin: germline.

Illumina Laboratory Services, Illumina
Classification: Likely benign for Short stature-pituitary and cerebellar defects-small sella turcica syndrome. Last evaluated: 2018-01-13. Review status: criteria provided, single submitter. Criteria: ICSL Variant Classification Criteria 13 December 2019. Collection method: clinical testing. Allele origin: germline.
Comment: This variant was observed in the ICSL laboratory as part of a predisposition screen in an ostensibly healthy population. It had not been previously curated by ICSL or reported in the Human Gene Mutation Database (HGMD: prior to June 1st, 2018), and was therefore a candidate for classification through an automated scoring system. Utilizing variant allele frequency, disease prevalence and penetrance estimates, and inheritance mode, an automated score was calculated to assess if this variant is too frequent to cause the disease. Based on the score and internal cut-off values, a variant classified as likely benign is not then subjected to further curation. The score for this variant resulted in a classification of likely benign for this disease.

PreventionGenetics, part of Exact Sciences
Classification: Likely benign for LHX4-related condition. Last evaluated: 2019-07-30. Review status: no assertion criteria provided. Collection method: clinical testing. Allele origin: germline. Not counted in ClinVar's aggregate classification.
Comment: This variant is classified as likely benign based on ACMG/AMP sequence variant interpretation guidelines (Richards et al. 2015 PMID: 25741868, with internal and published modifications).